The following is an entry in ClinVar:

NC_000008.10:g.(?_145736809)_(145743174_?)dup

Gene: RECQL4 (RecQ like helicase 4; minus strand). Cytogenetic location: 8q24.3.
Variant type: Duplication.
Identifiers: ClinVar variation 459290 (VCV000459290.1).

ClinVar aggregate classification (germline): Uncertain significance (1 of 4 stars; one submission).

Conditions:
Baller-Gerold syndrome (BGS). Also called: CRANIOSYNOSTOSIS WITH RADIAL DEFECTS. Identifiers: Orphanet 1225, MedGen C0265308, MONDO:0009039, OMIM 218600.

Submission:

Labcorp Genetics (formerly Invitae), Labcorp
Classification: Uncertain significance for Baller-Gerold syndrome. Last evaluated: 2017-11-16. Review status: criteria provided, single submitter. Criteria: Invitae Variant Classification Sherloc (09022015). Collection method: clinical testing. Allele origin: germline.
Comment: A gross duplication of the genomic region encompassing the full coding sequence of the RECQL4 gene has been identified. The boundaries of this event are unknown as the duplication extends beyond the assayed region for this gene and therefore may encompass additional genes. As the precise location of this duplication is unknown, it may be in tandem or it may be located elsewhere in the genome. This variant has not been reported in the literature in individuals with a RECQL4-related disease. Experimental studies are not available for this variant, and the functional significance of the duplication of entire sequence of RECQL4 is currently unknown. In summary, the exact genomic location of this variant is unknown and the impact of this duplication on RECQL4 protein function has not been established. Therefore, it has been classified as a Variant of Uncertain Significance.